The following is an entry in ClinVar:

ClinVar aggregate classification (germline): Uncertain significance. Review status: criteria provided, single submitter (1 of 4 stars). 2 submissions from 2 submitters: Uncertain significance (1). 1 of the submissions does not count toward it. Last evaluated 2023-02-27.

Conditions:
Megalencephalic leukoencephalopathy with subcortical cysts 1 (MLC1). Also called: VACUOLATING MEGALENCEPHALIC LEUKOENCEPHALOPATHY WITH SUBCORTICAL CYSTS; LEUKOENCEPHALOPATHY WITH SWELLING AND CYSTS. Identifiers: Orphanet 2478, MedGen C5779875, MONDO:0024555, OMIM 604004.

Allele frequency attached by ClinVar (database versions not stated): gnomAD exomes below 0.00001; TOPMed 0.00001.
gnomAD v4.1: 2 of 1,614,156 alleles (0.00012%); highest among the groups gnomAD compares: Non-Finnish European, 0.00017%; no homozygotes.

Submissions (2):

Women's Health and Genetics/Laboratory Corporation of America, LabCorp
Classification: Uncertain significance. Last evaluated: 2023-02-27. Review status: criteria provided, single submitter. Criteria: LabCorp Variant Classification Summary - May 2015. Collection method: clinical testing. Allele origin: germline.
Comment: Variant summary: MLC1 c.235G>A (p.Glu79Lys) results in a conservative amino acid change in the encoded protein sequence. Three of five in-silico tools predict a damaging effect of the variant on protein function. The variant was absent in 251274 control chromosomes (gnomAD). c.235G>A has been reported in the literature in a homozygous patient, who had clinical features of Megalencephalic Leukoencephalopathy With Subcortical Cysts 1 (Yuzbaioglu_2011). These data indicate that the variant may be associated with disease. To our knowledge, no experimental evidence demonstrating an impact on protein function has been reported. One clinical diagnostic laboratory has submitted clinical-significance assessments for this variant to ClinVar after 2014 without evidence for independent evaluation, and classified the variant as uncertain significance. Based on the evidence outlined above, the variant was classified as VUS-possibly pathogenic.

Counsyl
Classification: Uncertain significance for Megalencephalic leukoencephalopathy with subcortical cysts 1. Last evaluated: 2017-09-06. Review status: no assertion criteria provided. Collection method: clinical testing. Allele origin: unknown. Not counted in ClinVar's aggregate classification.

Literature cited by the submitters: PubMed 34918859 (cited by Women's Health and Genetics/Laboratory Corporation of America, LabCorp); PubMed 21145992 (cited by Women's Health and Genetics/Laboratory Corporation of America, LabCorp and Counsyl).

NM_015166.4(MLC1):c.235G>A (p.Glu79Lys)

Genes: MLC1 (modulator of VRAC current 1; minus strand), LOC125446261 (Sharpr-MPRA regulatory region 9327; plus strand). Cytogenetic location: 22q13.33.
Variant type: single nucleotide variant.
Coding change: c.235G>A on transcript NM_015166.4 (MANE Select); coding-DNA position 235, G replaced by A.
Protein change: p.Glu79Lys; replaces glutamic acid 79 with lysine.
Molecular consequence: missense variant. On other transcripts: 5 prime UTR variant (1), non-coding transcript variant (3), intron variant (1).
Genome position (GRCh38, 1-based): chr22:50,083,116, C>T on the plus strand (G>A on the coding strand, the complement: MLC1 is on the minus strand). VCF-style: chr22-50083116-C-T. GRCh37 (hg19) VCF-style: chr22-50521545-C-T.
Other names: c.235G>A, p.Glu79Lys (NM_001376472.1, NM_001376473.1, NM_001376474.1 and 9 more transcripts); c.-3G>A (NM_001376484.1); c.177+1610G>A (NM_001376480.1); short protein forms E79K.
Identifiers: ClinVar variation 553750 (VCV000553750.3), dbSNP rs1378938503, ClinGen allele CA412111595.